The following is an entry in ClinVar:

NM_020971.3(SPTBN4):c.1665+8C>T

Gene: SPTBN4 (spectrin beta, non-erythrocytic 4; plus strand). Cytogenetic location: 19q13.2.
Variant type: single nucleotide variant.
Coding change: c.1665+8C>T on transcript NM_020971.3 (MANE Select); 8 bases into the intron after coding-DNA position 1665, C replaced by T.
Molecular consequence: intron variant.
Genome position (GRCh38, 1-based): chr19:40,504,140, C>T. VCF-style: chr19-40504140-C-T. GRCh37 (hg19) VCF-style: chr19-41010047-C-T.
Other names: NC_000019.9:g.41010047C>T.
Identifiers: ClinVar variation 2649885 (VCV002649885.25), dbSNP rs843779, ClinGen allele CA9445709.

ClinVar aggregate classification (germline): Likely benign (1 of 4 stars; one submission).

gnomAD v4.1: 251 of 1,148,788 alleles (0.022%); highest among the groups gnomAD compares: African/African-American, 0.06%; 14 homozygotes.

Submissions (2):

CeGaT Center for Human Genetics Tuebingen
Classification: Likely benign. Last evaluated: 2023-04-01. Review status: criteria provided, single submitter. Criteria: CeGaT Center For Human Genetics Tuebingen Variant Classification Criteria Version 2. Collection method: clinical testing. Allele origin: germline. Affected: yes. Observed: 2 variant alleles.
Comment: SPTBN4: BP4, BS2

Dr. Peter K. Rogan Lab, Western University
No classification provided (evidence only). Condition: Lung cancer. Review status: no classification provided. Collection method: in vitro. Allele origin: not applicable. Functional consequence: retained intron. Not counted in ClinVar's aggregate classification.